The following is an entry in ClinVar:

ClinVar aggregate classification (germline): Likely benign (0 of 4 stars; one submission).

Conditions:
NR0B2-related disorder. Also called: NR0B2-related condition.

Submission:

PreventionGenetics, part of Exact Sciences
Classification: Likely benign for NR0B2-related condition. Last evaluated: 2024-04-18. Review status: no assertion criteria provided. Collection method: clinical testing. Allele origin: germline.
Comment: This variant is classified as likely benign based on ACMG/AMP sequence variant interpretation guidelines (Richards et al. 2015 PMID: 25741868, with internal and published modifications).

NM_021969.3(NR0B2):c.153A>C (p.Ala51=)

Genes: NR0B2 (nuclear receptor subfamily 0 group B member 2; minus strand), NUDC (nuclear distribution C, dynein complex regulator; plus strand). Cytogenetic location: 1p36.11.
Variant type: single nucleotide variant.
Coding change: c.153A>C on transcript NM_021969.3 (MANE Select); coding-DNA position 153, A replaced by C.
Protein change: p.Ala51=; no amino-acid change (alanine 51 retained).
Molecular consequence: synonymous variant.
Genome position (GRCh38, 1-based): chr1:26,913,788, T>G on the plus strand (A>C on the coding strand, the complement: NR0B2 is on the minus strand). VCF-style: chr1-26913788-T-G. GRCh37 (hg19) VCF-style: chr1-27240279-T-G.
Identifiers: ClinVar variation 3345960 (VCV003345960.1).